The following is an entry in ClinVar:

NM_032888.4(COL27A1):c.4760del (p.Pro1587fs)

Gene: COL27A1 (collagen type XXVII alpha 1 chain; plus strand). Cytogenetic location: 9q32.
Variant type: Deletion.
Coding change: c.4760del on transcript NM_032888.4 (MANE Select); coding-DNA position 4760, one base deleted (C; older notation c.4760delC).
Protein change: p.Pro1587fs; shifts the reading frame from proline 1587.
Molecular consequence: frameshift variant.
Genome position (GRCh38, 1-based): chr9:114,301,288, C deleted; the last of 2 consecutive C bases (chr9:114,301,287-114,301,288); deleting either gives the same sequence. VCF-style (leftmost placement, unchanged base first): chr9-114301286-TC-T. GRCh37 (hg19) VCF-style: chr9-117063566-TC-T.
Other names: short protein forms P1587fs.
Identifiers: ClinVar variation 1453572 (VCV001453572.6), dbSNP rs2131663679, ClinGen allele CA2573143820.

ClinVar aggregate classification (germline): Pathogenic (1 of 4 stars; one submission).

Submission:

Labcorp Genetics (formerly Invitae), Labcorp
Classification: Pathogenic. Last evaluated: 2021-11-13. Review status: criteria provided, single submitter. Criteria: Invitae Variant Classification Sherloc (09022015). Collection method: clinical testing. Allele origin: germline.
Comment: For these reasons, this variant has been classified as Pathogenic. This variant has not been reported in the literature in individuals affected with COL27A1-related conditions. This variant is not present in population databases (gnomAD no frequency). This sequence change creates a premature translational stop signal (p.Pro1587Argfs*163) in the COL27A1 gene. It is expected to result in an absent or disrupted protein product. Loss-of-function variants in COL27A1 are known to be pathogenic (PMID: 24986830, 28276056).

Literature cited by the submitters: PubMed 24986830; PubMed 28276056.